The following is an entry in ClinVar:

ClinVar aggregate classification (germline): Uncertain significance (1 of 4 stars; one submission).

Submission:

Labcorp Genetics (formerly Invitae), Labcorp
Classification: Uncertain significance. Last evaluated: 2022-08-16. Review status: criteria provided, single submitter. Criteria: Invitae Variant Classification Sherloc (09022015). Collection method: clinical testing. Allele origin: germline.
Comment: This variant, c.398_400del, results in the deletion of 1 amino acid(s) of the ADSSL1 protein (p.Ile133del), but otherwise preserves the integrity of the reading frame. This variant is present in population databases (rs776595051, gnomAD 0.006%). This variant has not been reported in the literature in individuals affected with ADSSL1-related conditions. Experimental studies and prediction algorithms are not available or were not evaluated, and the functional significance of this variant is currently unknown. In summary, the available evidence is currently insufficient to determine the role of this variant in disease. Therefore, it has been classified as a Variant of Uncertain Significance.

NM_152328.5(ADSS1):c.266TCA[1] (p.Ile90del)

Gene: ADSS1 (adenylosuccinate synthase 1; plus strand). Cytogenetic location: 14q32.33.
Variant type: Microsatellite.
Coding change: c.266TCA[1] on transcript NM_152328.5 (MANE Select); one copy of the 3-base unit TCA starting at c.266; the reference has two copies in a row; one copy, 3 bases deleted.
Protein change: p.Ile90del; deletes isoleucine 90.
Molecular consequence: inframe deletion. On other transcripts: 5 prime UTR variant (1).
Genome position (GRCh38, 1-based): chr14:104,735,096-104,735,098, TCA deleted; deleting any 3 consecutive bases within chr14:104,735,091-104,735,098 gives the same sequence; the position shown is the placement nearest the transcript's 3' end. VCF-style (leftmost placement, unchanged base first): chr14-104735090-GCAT-G. GRCh37 (hg19) VCF-style: chr14-105201427-GCAT-G.
Other names: c.-333TCA[1] (NM_001320424.1); c.395TCA[1], p.Ile133del (NM_199165.2); short protein forms I90del, I133del.
Identifiers: ClinVar variation 2084430 (VCV002084430.1), dbSNP rs776595051, ClinGen allele CA7373569.